The following is an entry in ClinVar:

NM_024642.5(GALNT12):c.1151C>T (p.Ala384Val)

Gene: GALNT12 (polypeptide N-acetylgalactosaminyltransferase 12; plus strand). Cytogenetic location: 9q22.33.
Variant type: single nucleotide variant.
Coding change: c.1151C>T on transcript NM_024642.5 (MANE Select); coding-DNA position 1151, C replaced by T.
Protein change: p.Ala384Val; replaces alanine 384 with valine.
Molecular consequence: missense variant.
Genome position (GRCh38, 1-based): chr9:98,837,087, C>T. VCF-style: chr9-98837087-C-T. GRCh37 (hg19) VCF-style: chr9-101599369-C-T.
Other names: short protein forms A384V.
Identifiers: ClinVar variation 4028007 (VCV004028007.2).

ClinVar aggregate classification (germline): Uncertain significance. Review status: criteria provided, multiple submitters, no conflicts (2 of 4 stars). 2 submissions from 2 submitters: Uncertain significance (2). Last evaluated 2025-04-13.

Submissions (2):

Ambry Genetics
Classification: Uncertain significance. Last evaluated: 2025-04-13. Review status: criteria provided, single submitter. Criteria: Ambry Variant Classification Scheme 2023. Collection method: clinical testing. Allele origin: germline.
Comment: The p.A384V variant (also known as c.1151C>T), located in coding exon 6 of the GALNT12 gene, results from a C to T substitution at nucleotide position 1151. The alanine at codon 384 is replaced by valine, an amino acid with similar properties. This amino acid position is conserved. In addition, this alteration is predicted to be deleterious by in silico analysis. Based on the available evidence, the clinical significance of this variant remains unclear.

Labcorp Genetics (formerly Invitae), Labcorp
Classification: Uncertain significance. Last evaluated: 2025-03-05. Review status: criteria provided, single submitter. Criteria: Invitae Variant Classification Sherloc (09022015). Collection method: clinical testing. Allele origin: germline.
Comment: This sequence change replaces alanine, which is neutral and non-polar, with valine, which is neutral and non-polar, at codon 384 of the GALNT12 protein (p.Ala384Val). This variant is not present in population databases (gnomAD no frequency). This variant has not been reported in the literature in individuals affected with GALNT12-related conditions. Invitae Evidence Modeling of protein sequence and biophysical properties (such as structural, functional, and spatial information, amino acid conservation, physicochemical variation, residue mobility, and thermodynamic stability) indicates that this missense variant is not expected to disrupt GALNT12 protein function with a negative predictive value of 80%. In summary, the available evidence is currently insufficient to determine the role of this variant in disease. Therefore, it has been classified as a Variant of Uncertain Significance.